The following is an entry in ClinVar:

NM_004370.6(COL12A1):c.3959C>G (p.Ser1320Ter)

Gene: COL12A1 (collagen type XII alpha 1 chain; minus strand). Cytogenetic location: 6q13.
Variant type: single nucleotide variant.
Coding change: c.3959C>G on transcript NM_004370.6 (MANE Select); coding-DNA position 3959, C replaced by G.
Protein change: p.Ser1320Ter; replaces serine 1320 with a stop codon.
Molecular consequence: nonsense.
Genome position (GRCh38, 1-based): chr6:75,151,908, G>C on the plus strand (C>G on the coding strand, the complement: COL12A1 is on the minus strand). VCF-style: chr6-75151908-G-C. GRCh37 (hg19) VCF-style: chr6-75861624-G-C.
Other names: c.3959C>G, p.Ser1320Ter (NM_001424113.1, NM_001424114.1); c.3686C>G, p.Ser1229Ter (NM_001424115.1); c.467C>G, p.Ser156Ter (NM_001424116.1, NM_080645.3); short protein forms S1229*, S1320*, S156*.
Identifiers: ClinVar variation 2628605 (VCV002628605.1), dbSNP rs2533398364, ClinGen allele CA364747816.
Genomic context (GRCh38, chr6:75,151,908, plus strand): 5'-TGTCCTTTTCAGTGCGTACCAATAGCAAACAGCTCCACTCCCTCATCCTTGAGTTTCTTT[G>C]AAGGTGCTTCAACATCGTCTTGTGATTTTCCATCAGTAATGAGCACACCAATTTTTCGAG-3'

ClinVar aggregate classification (germline): Likely pathogenic (1 of 4 stars; one submission).

Conditions:
COL12A1-related disorder. Also called: COL12A1-related condition.

Submission:

PreventionGenetics, part of Exact Sciences
Classification: Likely pathogenic for COL12A1-related condition. Last evaluated: 2023-08-14. Review status: criteria provided, single submitter. Criteria: ACMG Guidelines, 2015. Collection method: clinical testing. Allele origin: germline.
Comment: The COL12A1 c.3959C>G variant is predicted to result in premature protein termination (p.Ser1320*). To our knowledge, this variant has not been reported in the literature or in a large population database, indicating this variant is rare. Nonsense variants in COL12A1 are expected to be pathogenic. This variant is interpreted as likely pathogenic.